The following is an entry in ClinVar:

ClinVar aggregate classification (germline): Conflicting classifications of pathogenicity. Review status: criteria provided, conflicting classifications (1 of 4 stars). 6 submissions from 6 submitters: Pathogenic (5); Uncertain significance (1). Last evaluated 2025-11-21.

Conditions:
Muscular dystrophy-dystroglycanopathy (congenital with brain and eye anomalies), type a, 12 (MDDGA12). Also called: WALKER-WARBURG SYNDROME OR MUSCLE-EYE-BRAIN DISEASE, POMK-RELATED. Identifiers: Orphanet 899, MedGen C3808964, MONDO:0014101, OMIM 615249.
Limb-girdle muscular dystrophy due to POMK deficiency. Also called: MUSCULAR DYSTROPHY-DYSTROGLYCANOPATHY, LIMB-GIRDLE, POMK-RELATED; Muscular dystrophy-dystroglycanopathy (limb-girdle), type c, 12. Identifiers: Orphanet 445110, MedGen C4015184, MONDO:0014489, OMIM 616094.
POMK & SGK196-related disorders.

Allele frequency attached by ClinVar (database versions not stated): TOPMed 0.00002; ExAC 0.00012; gnomAD exomes 0.00012; gnomAD 0.00017.
gnomAD v4.1: 115 of 1,614,044 alleles (0.0071%); highest among the groups gnomAD compares: East Asian, 0.0067%; no homozygotes.

Submissions (6):

GeneDx
Classification: Pathogenic. Last evaluated: 2025-11-21. Review status: criteria provided, single submitter. Criteria: GeneDx Variant Classification Process June 2021. Collection method: clinical testing. Allele origin: germline.
Comment: Nonsense variant predicted to result in protein truncation or nonsense mediated decay in a gene for which loss of function is a known mechanism of disease; This variant is associated with the following publications: (PMID: 31833209, 30060766, 29910097, 32528171, 37733426)

Labcorp Genetics (formerly Invitae), Labcorp
Classification: Pathogenic for Muscular dystrophy-dystroglycanopathy (congenital with brain and eye anomalies), type a, 12; Limb-girdle muscular dystrophy due to POMK deficiency. Last evaluated: 2025-10-11. Review status: criteria provided, single submitter. Criteria: Invitae Variant Classification Sherloc (09022015). Collection method: clinical testing. Allele origin: germline.
Comment: This sequence change creates a premature translational stop signal (p.Arg46*) in the POMK gene. It is expected to result in an absent or disrupted protein product. Loss-of-function variants in POMK are known to be pathogenic (PMID: 24925318). This variant is present in population databases (rs202036744, gnomAD 0.07%). This premature translational stop signal has been observed in individual(s) with limb-girdle muscular dystrophy-dystroglycanopathy (PMID: 29910097). It has also been observed to segregate with disease in related individuals. ClinVar contains an entry for this variant (Variation ID: 813967). For these reasons, this variant has been classified as Pathogenic.

Laboratory of Genetics, Children's Clinical University Hospital Latvia
Classification: Pathogenic. Last evaluated: 2025-02-16. Review status: criteria provided, single submitter. Criteria: ACMG Guidelines, 2015. Collection method: clinical testing. Allele origin: germline. Affected: yes.

Revvity Omics, Revvity
Classification: Pathogenic. Last evaluated: 2024-12-24. Review status: criteria provided, single submitter. Criteria: ACMG Guidelines, 2015. Collection method: clinical testing. Allele origin: germline.

Blueprint Genetics
Classification: Pathogenic for POMK & SGK196-related disorders. Last evaluated: 2024-10-17. Review status: criteria provided, single submitter. Criteria: ACMG Guidelines, 2015. Collection method: clinical testing. Allele origin: germline. Affected: yes. Observed: 5 variant alleles.

Broad Center for Mendelian Genomics, Broad Institute of MIT and Harvard
Classification: Uncertain significance for Limb-girdle muscular dystrophy due to POMK deficiency. Last evaluated: 2018-12-03. Review status: criteria provided, single submitter. Criteria: ACMG Guidelines, 2015. Collection method: research. Allele origin: germline. Inheritance: Autosomal recessive inheritance. Affected: yes.
Comment: The heterozygous p.Arg46Ter variant in POMK was identified by our study in the compound heterozygous state, with a VUS, in two siblings with limb-girdle muscular dystrophy (LGMD) (PMID: 29910097). This variant has been identified in 0.01804% (50/277170) of chromosomes by the Genome Aggregation Database (gnomAD; dbSNP rs202036744). Although this variant has been seen in the general population, its frequency is low enough to be consistent with a recessive carrier frequency. This nonsense variant leads to a premature termination codon at position 46, which is predicted to lead to a truncated or absent protein. A knock-out zebrafish model for the POMK gene has a phenotype that matches LGMD and loss of function of the POMK gene is a moderately established disease mechanism in autosomal recessive LGMD (PMID: 24925318). In summary, while there is some suspicion for a pathogenic role, the clinical significance of this variant is uncertain. ACMG/AMP Criteria applied: PM2, PVS1_Moderate (Richards 2015).

Literature cited by the submitters: PubMed 24925318 (cited by Labcorp Genetics (formerly Invitae), Labcorp and Broad Center for Mendelian Genomics, Broad Institute of MIT and Harvard); PubMed 29910097 (cited by Labcorp Genetics (formerly Invitae), Labcorp and Broad Center for Mendelian Genomics, Broad Institute of MIT and Harvard).

NM_032237.5(POMK):c.136C>T (p.Arg46Ter)

Gene: POMK (protein O-mannose kinase; plus strand). Cytogenetic location: 8p11.21.
Variant type: single nucleotide variant.
Coding change: c.136C>T on transcript NM_032237.5 (MANE Select); coding-DNA position 136, C replaced by T.
Protein change: p.Arg46Ter; replaces arginine 46 with a stop codon.
Molecular consequence: nonsense.
Genome position (GRCh38, 1-based): chr8:43,103,684, C>T. VCF-style: chr8-43103684-C-T. GRCh37 (hg19) VCF-style: chr8-42958827-C-T.
Other names: c.136C>T, p.Arg46Ter (NM_001277971.2); short protein forms R46*.
Identifiers: ClinVar variation 813967 (VCV000813967.13), dbSNP rs202036744, ClinGen allele CA4736207.
Genomic context (GRCh38, chr8:43,103,684, plus strand): 5'-ATCATGGCCCTGATGAATACTCTGCTCTACCTCTGCCTCGACCACTTCTTCATCGCTCCT[C>T]GACAATCCACTGTGGACCCCACACACTGTCCCTATGGTCACTTCAGGATAGGACAGATGA-3'